The following is an entry in ClinVar:

ClinVar aggregate classification (germline): Pathogenic. Review status: criteria provided, multiple submitters, no conflicts (2 of 4 stars). 4 submissions from 4 submitters: Pathogenic (2). 2 of the submissions do not count toward it. Last evaluated 2024-03-04.

Conditions:
Poikiloderma with neutropenia (PN). Identifiers: Orphanet 221046, MedGen C1858723, MONDO:0011405, OMIM 604173.

Submissions (4):

Women's Health and Genetics/Laboratory Corporation of America, LabCorp
Classification: Pathogenic for Poikiloderma with neutropenia. Last evaluated: 2024-03-04. Review status: criteria provided, single submitter. Criteria: LabCorp Variant Classification Summary - May 2015. Collection method: clinical testing. Allele origin: germline.
Comment: Variant summary: USB1 c.266-1G>A is located in a canonical splice-site and is predicted to affect mRNA splicing resulting in a significantly altered protein due to either exon skipping, shortening, or inclusion of intronic material. Several computational tools predict a significant impact on normal splicing: Four predict the variant abolishes a canonical 3' acceptor site. At least one publication reports experimental evidence that this variant affects mRNA splicing (Clericuzio_2011). The variant was absent in 251484 control chromosomes (gnomAD). c.266-1G>A has been reported in the literature in individuals affected with Poikiloderma With Neutropenia (example: Clericuzio_2011, Rattanavalai_2012). These data indicate that the variant is likely to be associated with disease. The following publications have been ascertained in the context of this evaluation (PMID: 21271650, 21967010). ClinVar contains an entry for this variant (Variation ID: 496754). Based on the evidence outlined above, the variant was classified as pathogenic.

Labcorp Genetics (formerly Invitae), Labcorp
Classification: Pathogenic. Last evaluated: 2020-06-13. Review status: criteria provided, single submitter. Criteria: Invitae Variant Classification Sherloc (09022015). Collection method: clinical testing. Allele origin: germline.
Comment: Donor and acceptor splice site variants typically lead to a loss of protein function (PMID: 16199547), and loss-of-function variants in USB1 are known to be pathogenic (PMID: 20817924, 25044170). For these reasons, this variant has been classified as Pathogenic. Experimental studies have shown that this variant disrupts mRNA splicing (PMID: 21271650). This variant has been observed in individual(s) with poikiloderma with neutropenia (PMID: 21271650, 21967010). It has also been observed to segregate with disease in related individuals. ClinVar contains an entry for this variant (Variation ID: 496754). This variant is not present in population databases (ExAC no frequency). This sequence change affects an acceptor splice site in intron 2 of the USB1 gene. It is expected to disrupt RNA splicing and likely results in an absent or disrupted protein product.

OMIM
Classification: Pathogenic for POIKILODERMA WITH NEUTROPENIA. Last evaluated: 2021-10-20. Review status: no assertion criteria provided. Collection method: literature only. Allele origin: germline. Not counted in ClinVar's aggregate classification.

GeneReviews
No classification provided. Condition: Poikiloderma with neutropenia. Review status: no classification provided. Collection method: literature only. Allele origin: germline. Not counted in ClinVar's aggregate classification.

Literature cited by the submitters: PubMed 21271650 (cited by 3 submitters); PubMed 21967010 (cited by Women's Health and Genetics/Laboratory Corporation of America, LabCorp and Labcorp Genetics (formerly Invitae), Labcorp); PubMed 16199547 (cited by Labcorp Genetics (formerly Invitae), Labcorp); PubMed 20817924 (cited by Labcorp Genetics (formerly Invitae), Labcorp); PubMed 25044170 (cited by Labcorp Genetics (formerly Invitae), Labcorp); NCBI Bookshelf NBK459118 (cited by GeneReviews); PubMed 29072891 (cited by GeneReviews).

NM_024598.4(USB1):c.266-1G>A

Gene: USB1 (U6 snRNA biogenesis phosphodiesterase 1; plus strand). Cytogenetic location: 16q21.
Variant type: single nucleotide variant.
Coding change: c.266-1G>A on transcript NM_024598.4 (MANE Select); the canonical splice acceptor site of the intron before coding-DNA position 266, G replaced by A.
Molecular consequence: splice acceptor variant.
Genome position (GRCh38, 1-based): chr16:58,009,928, G>A. VCF-style: chr16-58009928-G-A. GRCh37 (hg19) VCF-style: chr16-58043832-G-A.
Other names: IVS2AS, G-A, -1; c.113-1G>A (NM_001330568.2); c.266-1G>A (NM_001195302.2, NM_001204911.2, NM_001330569.2).
Identifiers: ClinVar variation 496754 (VCV000496754.12), dbSNP rs1555498092, ClinGen allele CA396128940.